The following is an entry in ClinVar:

ClinVar aggregate classification (germline): Benign (0 of 4 stars; one submission).

Conditions:
AGBL4-related disorder. Also called: AGBL4-related condition.

Allele frequency attached by ClinVar (database versions not stated): 1000 Genomes Project 0.02736; 1000 Genomes Project 30x 0.02780; ESP Exome Variant Server 0.02798; ExAC 0.04171.
gnomAD v4.1: 39,864 of 1,558,102 alleles (2.6%); highest among the groups gnomAD compares: South Asian, 4.7%; 575 homozygotes.

Submission:

PreventionGenetics, part of Exact Sciences
Classification: Benign for AGBL4-related condition. Last evaluated: 2019-10-28. Review status: no assertion criteria provided. Collection method: clinical testing. Allele origin: germline.
Comment: This variant is classified as benign based on ACMG/AMP sequence variant interpretation guidelines (Richards et al. 2015 PMID: 25741868, with internal and published modifications).

NM_032785.4(AGBL4):c.725-4C>T

Gene: AGBL4 (AGBL carboxypeptidase 4; minus strand). Cytogenetic location: 1p33.
Variant type: single nucleotide variant.
Coding change: c.725-4C>T on transcript NM_032785.4 (MANE Select); 4 bases into the intron before coding-DNA position 725, C replaced by T.
Molecular consequence: intron variant.
Genome position (GRCh38, 1-based): chr1:48,653,455, G>A on the plus strand (C>T on the coding strand, the complement: AGBL4 is on the minus strand). VCF-style: chr1-48653455-G-A. GRCh37 (hg19) VCF-style: chr1-49119127-G-A.
Other names: c.725-4C>T (NM_001323575.2); c.761-4C>T (NM_001323573.2, NM_001323574.2).
Identifiers: ClinVar variation 3055503 (VCV003055503.2), dbSNP rs41289226, ClinGen allele CA844831.